The following is an entry in ClinVar:

NM_001042492.3(NF1):c.6499_6502delinsTG (p.Ile2167fs)

Gene: NF1 (neurofibromin 1; plus strand). Cytogenetic location: 17q11.2.
Variant type: Indel.
Coding change: c.6499_6502delinsTG on transcript NM_001042492.3 (MANE Select); coding-DNA positions 6499 to 6502, ATTA replaced by TG.
Protein change: p.Ile2167fs; shifts the reading frame from isoleucine 2167.
Molecular consequence: frameshift variant.
Genome position (GRCh38, 1-based): chr17:31,337,439-31,337,442, ATTA replaced by TG. VCF-style: chr17-31337439-ATTA-TG. GRCh37 (hg19) VCF-style: chr17-29664457-ATTA-TG.
Other names: c.6436_6439delATTAinsTG (NM_000267.3); c.6436_6439delATTAinsTG, p.Ile2146Trpfs (NM_000267.4); short protein forms I2167fs, I2146fs.
Identifiers: ClinVar variation 1753515 (VCV001753515.2), dbSNP rs2508753325, ClinGen allele CA2580093380.
Genomic context (GRCh38, chr17:31,337,439, plus strand): 5'-CAAGTTTTGAGACTCAGTCTGACAGAGTTCTCATTACCCAAATTTTACTTGCTGTTTGGC[ATTA>TG]GCAAAGTCAAGTCAGCTGCTGTCATTGCCTTCCGTTCCAGTTACCGGGACAGGTCATTCT-3'

ClinVar aggregate classification (germline): Pathogenic (1 of 4 stars; one submission).

Conditions:
Cardiovascular phenotype. Identifiers: MedGen CN230736.
Hereditary cancer-predisposing syndrome. Also called: Neoplastic Syndromes, Hereditary; Tumor predisposition; Hereditary Cancer Syndrome; Hereditary neoplastic syndrome. Identifiers: Orphanet 140162, MedGen C0027672, MeSH D009386, MONDO:0015356.

Submission:

Ambry Genetics
Classification: Pathogenic for Cardiovascular phenotype; Hereditary cancer-predisposing syndrome. Last evaluated: 2019-09-12. Review status: criteria provided, single submitter. Criteria: Ambry Variant Classification Scheme 2023. Collection method: clinical testing. Allele origin: germline.
Comment: The c.6436_6439delATTAinsTG pathogenic mutation, located in coding exon 42 of the NF1 gene, results from the deletion of 4 nucleotides and insertion of two nucleotides causing a translational frameshift with a predicted alternate stop codon (p.I2146Wfs*26). This alteration is expected to result in loss of function by premature protein truncation or nonsense-mediated mRNA decay. As such, this alteration is interpreted as a disease-causing mutation.